The following is an entry in ClinVar:

ClinVar aggregate classification (germline): Uncertain significance. Review status: criteria provided, multiple submitters, no conflicts (2 of 4 stars). 4 submissions from 4 submitters: Uncertain significance (4). Last evaluated 2024-09-25.

Conditions:
FG syndrome (FGS). Identifiers: MedGen C0220769, MONDO:0002010.
Familial thoracic aortic aneurysm and aortic dissection (TAAD). Also called: Thoracic aortic aneurysms and dissections. Identifiers: Orphanet 91387, MedGen C4707243, MONDO:0019625.

Allele frequency attached by ClinVar (database versions not stated): gnomAD exomes below 0.00001 and 0.00002; ExAC 0.00001; gnomAD 0.00001 and 0.00002; TOPMed 0.00002.
gnomAD v4.1: 3 of 1,209,721 alleles (0.00025%); highest among the groups gnomAD compares: Admixed American, 0.0044%; no homozygotes.

Submissions (4):

Mayo Clinic Laboratories, Mayo Clinic
Classification: Uncertain significance. Last evaluated: 2024-09-25. Review status: criteria provided, single submitter. Criteria: ACMG Guidelines, 2015. Collection method: clinical testing. Allele origin: germline. Observed: 1 variant allele.
Comment: BP4

Labcorp Genetics (formerly Invitae), Labcorp
Classification: Uncertain significance for FG syndrome. Last evaluated: 2024-02-17. Review status: criteria provided, single submitter. Criteria: Invitae Variant Classification Sherloc (09022015). Collection method: clinical testing. Allele origin: germline.
Comment: This sequence change replaces valine, which is neutral and non-polar, with isoleucine, which is neutral and non-polar, at codon 378 of the MED12 protein (p.Val378Ile). This variant is present in population databases (rs779969587, gnomAD 0.008%). This variant has not been reported in the literature in individuals affected with MED12-related conditions. ClinVar contains an entry for this variant (Variation ID: 1311524). Advanced modeling of protein sequence and biophysical properties (such as structural, functional, and spatial information, amino acid conservation, physicochemical variation, residue mobility, and thermodynamic stability) has been performed at Invitae for this missense variant, however the output from this modeling did not meet the statistical confidence thresholds required to predict the impact of this variant on MED12 protein function. In summary, the available evidence is currently insufficient to determine the role of this variant in disease. Therefore, it has been classified as a Variant of Uncertain Significance.

Ambry Genetics
Classification: Uncertain significance for Familial thoracic aortic aneurysm and aortic dissection. Last evaluated: 2022-09-26. Review status: criteria provided, single submitter. Criteria: Ambry Variant Classification Scheme 2023. Collection method: clinical testing. Allele origin: germline.
Comment: The p.V378I variant (also known as c.1132G>A), located in coding exon 8 of the MED12 gene, results from a G to A substitution at nucleotide position 1132. The valine at codon 378 is replaced by isoleucine, an amino acid with highly similar properties. This amino acid position is conserved. In addition, this alteration is predicted to be tolerated by in silico analysis. Since supporting evidence is limited at this time, the clinical significance of this alteration remains unclear.

GeneDx
Classification: Uncertain significance. Last evaluated: 2020-01-02. Review status: criteria provided, single submitter. Criteria: GeneDx Variant Classification Process June 2021. Collection method: clinical testing. Allele origin: germline. Affected: yes.
Comment: Not observed at a significant frequency in large population cohorts (Lek et al., 2016); In silico analysis, which includes protein predictors and evolutionary conservation, supports that this variant does not alter protein structure/function; Has not been previously published as pathogenic or benign to our knowledge

NM_005120.3(MED12):c.1132G>A (p.Val378Ile)

Gene: MED12 (mediator complex subunit 12; plus strand). Cytogenetic location: Xq13.1.
Variant type: single nucleotide variant.
Coding change: c.1132G>A on transcript NM_005120.3 (MANE Select); coding-DNA position 1132, G replaced by A.
Protein change: p.Val378Ile; replaces valine 378 with isoleucine.
Molecular consequence: missense variant.
Genome position (GRCh38, 1-based): chrX:71,122,230, G>A. VCF-style: chrX-71122230-G-A. GRCh37 (hg19) VCF-style: chrX-70342080-G-A.
Other names: p.Val378Ile; short protein forms V378I.
Identifiers: ClinVar variation 1311524 (VCV001311524.7), dbSNP rs779969587, ClinGen allele CA10444139.